The following is an entry in ClinVar:

ClinVar aggregate classification (germline): Uncertain significance. Review status: criteria provided, multiple submitters, no conflicts (2 of 4 stars). 3 submissions from 3 submitters: Uncertain significance (3). Last evaluated 2024-05-22.

Conditions:
Short-rib thoracic dysplasia 10 with or without polydactyly (SRTD10). Identifiers: Orphanet 474, MedGen C3810175, MONDO:0014284, OMIM 615630.
Retinitis pigmentosa 71 (RP71). Identifiers: Orphanet 791, MedGen C4225342, MONDO:0014618, OMIM 616394.
Bardet-Biedl syndrome 20. Identifiers: MedGen C4310707, MONDO:0023670, OMIM 619471, MONDO:0014926.

gnomAD v4.1: 5 of 1,613,930 alleles (0.00031%); highest among the groups gnomAD compares: Non-Finnish European, 0.00034%; no homozygotes.

Submissions (3):

Fulgent Genetics
Classification: Uncertain significance for Short-rib thoracic dysplasia 10 with or without polydactyly; Retinitis pigmentosa 71; Bardet-Biedl syndrome 20. Last evaluated: 2024-05-22. Review status: criteria provided, single submitter. Criteria: ACMG Guidelines, 2015. Collection method: clinical testing. Allele origin: germline.

GeneDx
Classification: Uncertain significance. Last evaluated: 2022-09-12. Review status: criteria provided, single submitter. Criteria: GeneDx Variant Classification Process June 2021. Collection method: clinical testing. Allele origin: germline. Affected: yes.
Comment: Not observed at significant frequency in large population cohorts (gnomAD); In silico analysis supports that this missense variant does not alter protein structure/function; Has not been previously published as pathogenic or benign to our knowledge

Labcorp Genetics (formerly Invitae), Labcorp
Classification: Uncertain significance for Retinitis pigmentosa 71; Short-rib thoracic dysplasia 10 with or without polydactyly. Last evaluated: 2021-04-02. Review status: criteria provided, single submitter. Criteria: Invitae Variant Classification Sherloc (09022015). Collection method: clinical testing. Allele origin: germline.
Comment: Algorithms developed to predict the effect of missense changes on protein structure and function are either unavailable or do not agree on the potential impact of this missense change (SIFT: "Deleterious"; PolyPhen-2: "Benign"; Align-GVGD: "Class C0"). Algorithms developed to predict the effect of sequence changes on RNA splicing suggest that this variant may create or strengthen a splice site, but this prediction has not been confirmed by published transcriptional studies. In summary, the available evidence is currently insufficient to determine the role of this variant in disease. Therefore, it has been classified as a Variant of Uncertain Significance. This variant has not been reported in the literature in individuals with IFT172-related conditions. This sequence change replaces arginine with glutamine at codon 1134 of the IFT172 protein (p.Arg1134Gln). The arginine residue is highly conserved and there is a small physicochemical difference between arginine and glutamine. This variant is not present in population databases (ExAC no frequency).

NM_015662.3(IFT172):c.3401G>A (p.Arg1134Gln)

Gene: IFT172 (intraflagellar transport 172; minus strand). Cytogenetic location: 2p23.3.
Variant type: single nucleotide variant.
Coding change: c.3401G>A on transcript NM_015662.3 (MANE Select); coding-DNA position 3401, G replaced by A.
Protein change: p.Arg1134Gln; replaces arginine 1134 with glutamine.
Molecular consequence: missense variant.
Genome position (GRCh38, 1-based): chr2:27,454,631, C>T on the plus strand (G>A on the coding strand, the complement: IFT172 is on the minus strand). VCF-style: chr2-27454631-C-T. GRCh37 (hg19) VCF-style: chr2-27677498-C-T.
Other names: c.3401G>A (NM_015662.2); short protein forms R1134Q.
Identifiers: ClinVar variation 1438404 (VCV001438404.8), dbSNP rs148624326, ClinGen allele CA346379075.